The following is an entry in ClinVar:

NM_000132.4(F8):c.602-1G>A

Gene: F8 (coagulation factor VIII; minus strand). Cytogenetic location: Xq28.
Variant type: single nucleotide variant.
Coding change: c.602-1G>A on transcript NM_000132.4 (MANE Select); the canonical splice acceptor site of the intron before coding-DNA position 602, G replaced by A.
Molecular consequence: splice acceptor variant.
Genome position (GRCh38, 1-based): chrX:154,987,306, C>T on the plus strand (G>A on the coding strand, the complement: F8 is on the minus strand). VCF-style: chrX-154987306-C-T. GRCh37 (hg19) VCF-style: chrX-154215581-C-T.
Identifiers: ClinVar variation 4847694 (VCV004847694.1).
Genomic context (GRCh38, chrX:154,987,306, plus strand): 5'-ATACAGCAAAAAGTAGTATAAATTTGTGCAAGGTCTGTGTCTTTTCCTTGGCCAGACTCC[C>T]TGAAAAAGAAGTGAGAACATTTATCTTCTATTTAAAAAATCTCATTGTAGGAAATTGTCA-3'

ClinVar aggregate classification (germline): Pathogenic (1 of 4 stars; one submission).

Conditions:
Hereditary factor VIII deficiency disease (HEMA). Also called: HEMOPHILIA, CLASSIC; Hemophilia A; Hemophilia A, congenital; HEM A; Factor 8 deficiency, congenital; AUTOSOMAL HEMOPHILIA A. Identifiers: Orphanet 98878, MedGen C0019069, MONDO:0010602, OMIM 306700.

Submission:

Women's Health and Genetics/Laboratory Corporation of America, LabCorp
Classification: Pathogenic for Hereditary factor VIII deficiency disease. Last evaluated: 2026-03-25. Review status: criteria provided, single submitter. Criteria: LabCorp Variant Classification Summary - May 2015. Collection method: clinical testing. Allele origin: germline.
Comment: Variant summary: F8 c.602-1G>A is located in a canonical splice-site and is predicted to affect mRNA splicing resulting in a significantly altered protein due to either exon skipping, shortening, or inclusion of intronic material. Variants that disrupt the consensus splice site are a relatively common cause of aberrant splicing and loss of F8 function. Several computational tools predict a significant impact on normal splicing: Five predict the variant abolishes the canonical 3' acceptor site. Five predict the variant creates a cryptic 3' acceptor site. At least one publication reports experimental evidence that this variant affects mRNA splicing (Castaman_2010). The variant was absent in 182790 control chromosomes. c.602-1G>A has been observed in at-least two individuals affected with Factor VIII Deficiency (Hemophilia A) (examples, Fernandez-Lopez_2005, Castaman_2010). These data indicate that the variant may be associated with disease. The following publications have been ascertained in the context of this evaluation (PMID: 20398075, 15921397). No submitters have cited clinical-significance assessments for this variant to ClinVar. Based on the evidence outlined above, the variant was classified as pathogenic.

Literature cited by the submitters: PubMed 15921397; PubMed 20398075.